The following is an entry in ClinVar:

NM_201384.3(PLEC):c.5967C>A (p.Arg1989=)

Gene: PLEC (plectin; minus strand). Cytogenetic location: 8q24.3.
Variant type: single nucleotide variant.
Coding change: c.5967C>A on transcript NM_201384.3 (MANE Select); coding-DNA position 5967, C replaced by A.
Protein change: p.Arg1989=; no amino-acid change (arginine 1989 retained).
Molecular consequence: synonymous variant. On other transcripts: intron variant (1).
Genome position (GRCh38, 1-based): chr8:143,923,962, G>T on the plus strand (C>A on the coding strand, the complement: PLEC is on the minus strand). VCF-style: chr8-143923962-G-T. GRCh37 (hg19) VCF-style: chr8-144998130-G-T.
Other names: p.Arg2016=; c.6048C>A, p.Arg2016= (NM_000445.5); c.5925C>A, p.Arg1975= (NM_201378.4); c.5901C>A, p.Arg1967= (NM_201379.3); c.6378C>A, p.Arg2126= (NM_201380.4); c.5871C>A, p.Arg1957= (NM_201381.3); c.5967C>A, p.Arg1989= (NM_201382.4); c.5979C>A, p.Arg1993= (NM_201383.3); and 1 more.
Identifiers: ClinVar variation 3764055 (VCV003764055.3).

ClinVar aggregate classification (germline): Likely benign. Review status: criteria provided, multiple submitters, no conflicts (2 of 4 stars). 2 submissions from 2 submitters: Likely benign (2). Last evaluated 2025-06-13.

Conditions:
Epidermolysis bullosa simplex with nail dystrophy (EBS5D). Identifiers: MedGen C4225309, MONDO:0014661, OMIM 616487.
Epidermolysis bullosa simplex, Ogna type (EBS5A). Also called: EPIDERMOLYSIS BULLOSA SIMPLEX 5A, OGNA TYPE; Pidermolysis bullosa simplex 5A, Ogna type. Identifiers: Orphanet 79401, MedGen C0432317, MONDO:0007555, OMIM 131950.
Autosomal recessive limb-girdle muscular dystrophy type 2Q (LGMDR17). Also called: MUSCULAR DYSTROPHY, LIMB-GIRDLE, AUTOSOMAL RECESSIVE 17. Identifiers: Orphanet 254361, MedGen C3150989, MONDO:0013390, OMIM 613723.
Epidermolysis bullosa simplex 5B, with muscular dystrophy (EBS5B). Also called: EPIDERMOLYSIS BULLOSA SIMPLEX AND LIMB-GIRDLE MUSCULAR DYSTROPHY; Epidermolysis bullosa simplex with muscular dystrophy. Identifiers: Orphanet 257, MedGen C2931072, MONDO:0009181, OMIM 226670.
Epidermolysis bullosa simplex 5C, with pyloric atresia (EBS5C). Also called: PLEC1-Related Epidermolysis Bullosa with Pyloric Atresia; PLEC-Related Epidermolysis Bullosa with Pyloric Atresia; Epidermolysis bullosa simplex with pyloric atresia. Identifiers: Orphanet 158684, MedGen C2677349, MONDO:0012807, OMIM 612138.

Submissions (2):

Mayo Clinic Laboratories, Mayo Clinic
Classification: Likely benign. Last evaluated: 2025-06-13. Review status: criteria provided, single submitter. Criteria: ACMG Guidelines, 2015. Collection method: clinical testing. Allele origin: germline. Observed: 1 variant allele.
Comment: BP4, BP7

Labcorp Genetics (formerly Invitae), Labcorp
Classification: Likely benign for Autosomal recessive limb-girdle muscular dystrophy type 2Q; Epidermolysis bullosa simplex, Ogna type; Epidermolysis bullosa simplex with nail dystrophy; Epidermolysis bullosa simplex 5C, with pyloric atresia; Epidermolysis bullosa simplex 5B, with muscular dystrophy. Last evaluated: 2024-03-07. Review status: criteria provided, single submitter. Criteria: Invitae Variant Classification Sherloc (09022015). Collection method: clinical testing. Allele origin: germline.